The following is an entry in ClinVar:

ClinVar aggregate classification (germline): Uncertain significance. Review status: criteria provided, multiple submitters, no conflicts (2 of 4 stars). 2 submissions from 2 submitters: Uncertain significance (2). Last evaluated 2026-04-30.

Conditions:
TTN-related disorder. Also called: TTN-related condition; TTN-related disease; TTN-related disorders.
Dilated cardiomyopathy 1G (CMD1G). Identifiers: Orphanet 154, MedGen C1858763, MONDO:0011400, OMIM 604145.
Autosomal recessive limb-girdle muscular dystrophy type 2J (LGMDR10). Also called: MUSCULAR DYSTROPHY, LIMB-GIRDLE, AUTOSOMAL RECESSIVE 10; Limb-girdle muscular dystrophy, type 2J. Identifiers: Orphanet 140922, MedGen C1837342, MONDO:0012127, OMIM 608807.

Allele frequency attached by ClinVar (database versions not stated): TOPMed below 0.00001; gnomAD exomes 0.00001.

Submissions (2):

PreventionGenetics, part of Exact Sciences
Classification: Uncertain significance for TTN-related condition. Last evaluated: 2026-04-30. Review status: criteria provided, single submitter. Criteria: ACMG Guidelines, 2015. Collection method: clinical testing. Allele origin: germline.
Comment: The TTN c.104272C>T variant is predicted to result in the amino acid substitution p.Pro34758Ser. To our knowledge, this variant has not been reported in the literature. This variant is reported in 0.0018% of alleles in individuals of European (Non-Finnish) descent in gnomAD. At this time, the clinical significance of this variant is uncertain due to the absence of conclusive functional and genetic evidence.

Labcorp Genetics (formerly Invitae), Labcorp
Classification: Uncertain significance for Dilated cardiomyopathy 1G; Autosomal recessive limb-girdle muscular dystrophy type 2J. Last evaluated: 2022-02-10. Review status: criteria provided, single submitter. Criteria: Invitae Variant Classification Sherloc (09022015). Collection method: clinical testing. Allele origin: germline.
Comment: This variant has not been reported in the literature in individuals affected with TTN-related conditions. In summary, the available evidence is currently insufficient to determine the role of this variant in disease. Therefore, it has been classified as a Variant of Uncertain Significance. This variant is located in the M band of TTN (PMID: 25589632). Variants in this region may be relevant for neuromuscular disorders, but have not been definitively shown to cause cardiomyopathy (PMID: 23975875). Experimental studies and prediction algorithms are not available or were not evaluated, and the functional significance of this variant is currently unknown. This variant is present in population databases (no rsID available, gnomAD 0.002%). This sequence change replaces proline, which is neutral and non-polar, with serine, which is neutral and polar, at codon 34758 of the TTN protein (p.Pro34758Ser).

Literature cited by the submitters: PubMed 25589632 (cited by Labcorp Genetics (formerly Invitae), Labcorp); PubMed 23975875 (cited by Labcorp Genetics (formerly Invitae), Labcorp).

NM_001267550.2(TTN):c.104272C>T (p.Pro34758Ser)

Genes: TTN-AS1 (TTN antisense RNA 1; plus strand), TTN (titin; minus strand). Cytogenetic location: 2q31.2.
Variant type: single nucleotide variant.
Coding change: c.104272C>T on transcript NM_001267550.2 (MANE Select); coding-DNA position 104272, C replaced by T.
Protein change: p.Pro34758Ser; replaces proline 34758 with serine.
Molecular consequence: missense variant.
Genome position (GRCh38, 1-based): chr2:178,532,343, G>A on the plus strand (C>T on the coding strand, the complement: TTN is on the minus strand). VCF-style: chr2-178532343-G-A. GRCh37 (hg19) VCF-style: chr2-179397070-G-A.
Other names: c.99349C>T, p.Pro33117Ser (NM_001256850.1); c.77077C>T, p.Pro25693Ser (NM_003319.4); c.96568C>T, p.Pro32190Ser (NM_133378.4); c.77452C>T, p.Pro25818Ser (NM_133432.3); c.77653C>T, p.Pro25885Ser (NM_133437.4); short protein forms P25885S, P33117S, P25693S, P32190S, P34758S, P25818S.
Identifiers: ClinVar variation 1352597 (VCV001352597.6), dbSNP rs1296833957, ClinGen allele CA349412106.
Genomic context (GRCh38, chr2:178,532,343, plus strand): 5'-TAACTGGGCGAAGCAACTCTTCATCCTCCCTCTCAGCCATGATTCTTTGCCGTTGCTTTG[G>A]CTGTCTGTACGCAGCCTGGGCATGCCGTTCCCTCAGTTCTGCATAACTTGTACTAGCTTC-3'
Protein context (NP_001254479.2, residues 34748-34768): ERHAQAAYRQ[Pro34758Ser]KQRQRIMAER